The following is an entry in ClinVar:

ClinVar aggregate classification (germline): Uncertain significance. Review status: criteria provided, multiple submitters, no conflicts (2 of 4 stars). 2 submissions from 2 submitters: Uncertain significance (2). Last evaluated 2025-02-08.

Conditions:
Congenital myotonia, autosomal dominant form (THD). Also called: THOMSEN DISEASE; Myotonia congenita autosomal dominant. Identifiers: Orphanet 614, MedGen C2936781, MONDO:0008055, OMIM 160800.
Congenital myotonia, autosomal recessive form. Also called: Becker Generalized Myotonia; myotonia congenita, autosomal recessive; BECKER DISEASE. Identifiers: Orphanet 614, MedGen C0751360, MONDO:0009715, OMIM 255700.

gnomAD v4.1: 20 of 1,613,038 alleles (0.0012%); highest among the groups gnomAD compares: Non-Finnish European, 0.0016%; no homozygotes.

Submissions (2):

Labcorp Genetics (formerly Invitae), Labcorp
Classification: Uncertain significance for Congenital myotonia, autosomal recessive form; Congenital myotonia, autosomal dominant form. Last evaluated: 2025-02-08. Review status: criteria provided, single submitter. Criteria: Invitae Variant Classification Sherloc (09022015). Collection method: clinical testing. Allele origin: germline.
Comment: This sequence change replaces glycine, which is neutral and non-polar, with serine, which is neutral and polar, at codon 483 of the CLCN1 protein (p.Gly483Ser). This variant is present in population databases (rs756345166, gnomAD 0.004%). This missense change has been observed in individual(s) with referred for genetic testing for myotonia Congenita (PMID: 34529042). Invitae Evidence Modeling of protein sequence and biophysical properties (such as structural, functional, and spatial information, amino acid conservation, physicochemical variation, residue mobility, and thermodynamic stability) has been performed for this missense variant. However, the output from this modeling did not meet the statistical confidence thresholds required to predict the impact of this variant on CLCN1 protein function. Experimental studies have shown that this missense change affects CLCN1 function (PMID: 34529042). In summary, the available evidence is currently insufficient to determine the role of this variant in disease. Therefore, it has been classified as a Variant of Uncertain Significance.

GeneDx
Classification: Uncertain significance. Last evaluated: 2024-09-18. Review status: criteria provided, single submitter. Criteria: GeneDx Variant Classification Process June 2021. Collection method: clinical testing. Allele origin: germline. Affected: yes.
Comment: Reported previously in a patient with myotonia congenita who also harbored a second variant (phase unknown) (PMID: 34529042); Not observed at significant frequency in large population cohorts (gnomAD); In silico analysis indicates that this missense variant does not alter protein structure/function; This variant is associated with the following publications: (PMID: 34529042)

Literature cited by the submitters: PubMed 34529042 (cited by Labcorp Genetics (formerly Invitae), Labcorp).

NM_000083.3(CLCN1):c.1447G>A (p.Gly483Ser)

Gene: CLCN1 (chloride voltage-gated channel 1; plus strand). Cytogenetic location: 7q34.
Variant type: single nucleotide variant.
Coding change: c.1447G>A on transcript NM_000083.3 (MANE Select); coding-DNA position 1447, G replaced by A.
Protein change: p.Gly483Ser; replaces glycine 483 with serine.
Molecular consequence: missense variant. On other transcripts: non-coding transcript variant (1).
Genome position (GRCh38, 1-based): chr7:143,339,298, G>A. VCF-style: chr7-143339298-G-A. GRCh37 (hg19) VCF-style: chr7-143036391-G-A.
Other names: c.1447G>A (NM_000083.2); short protein forms G483S.
Identifiers: ClinVar variation 3751609 (VCV003751609.3).